The following is an entry in ClinVar:

NM_005529.7(HSPG2):c.5453C>G (p.Ala1818Gly)

Gene: HSPG2 (heparan sulfate proteoglycan 2; minus strand). Cytogenetic location: 1p36.12.
Variant type: single nucleotide variant.
Coding change: c.5453C>G on transcript NM_005529.7 (MANE Select); coding-DNA position 5453, C replaced by G.
Protein change: p.Ala1818Gly; replaces alanine 1818 with glycine.
Molecular consequence: missense variant.
Genome position (GRCh38, 1-based): chr1:21,857,137, G>C on the plus strand (C>G on the coding strand, the complement: HSPG2 is on the minus strand). VCF-style: chr1-21857137-G-C. GRCh37 (hg19) VCF-style: chr1-22183630-G-C.
Other names: c.5456C>G, p.Ala1819Gly (NM_001291860.2); short protein forms A1818G, A1819G.
Identifiers: ClinVar variation 2631613 (VCV002631613.1), dbSNP rs980007488, ClinGen allele CA19127382.

ClinVar aggregate classification (germline): Uncertain significance (1 of 4 stars; one submission).

Conditions:
HSPG2-related disorder. Also called: HSPG2-related condition; HSPG2-related disorders.

Allele frequency attached by ClinVar (database versions not stated): TOPMed below 0.00001.

Submission:

PreventionGenetics, part of Exact Sciences
Classification: Uncertain significance for HSPG2-related condition. Last evaluated: 2023-07-27. Review status: criteria provided, single submitter. Criteria: ACMG Guidelines, 2015. Collection method: clinical testing. Allele origin: germline.
Comment: The HSPG2 c.5453C>G variant is predicted to result in the amino acid substitution p.Ala1818Gly. To our knowledge, this variant has not been reported in the literature or in a large population database, indicating this variant is rare. At this time, the clinical significance of this variant is uncertain due to the absence of conclusive functional and genetic evidence.